The following is an entry in ClinVar:

ClinVar aggregate classification (germline): Pathogenic (1 of 4 stars; one submission).

Conditions:
Ataxia-telangiectasia syndrome (AT). Also called: Ataxia-telangiectasia; LOUIS-BAR SYNDROME; Ataxia-telangiectasia, complementation group D; AT, COMPLEMENTATION GROUP C; ATAXIA-TELANGIECTASIA, COMPLEMENTATION GROUP A; ATAXIA-TELANGIECTASIA, FRESNO VARIANT. Identifiers: Orphanet 100, MedGen C0004135, MONDO:0008840, OMIM 208900.

Submission:

Labcorp Genetics (formerly Invitae), Labcorp
Classification: Pathogenic for Ataxia-telangiectasia syndrome. Last evaluated: 2021-03-07. Review status: criteria provided, single submitter. Criteria: Invitae Variant Classification Sherloc (09022015). Collection method: clinical testing. Allele origin: germline.
Comment: For these reasons, this variant has been classified as Pathogenic. This variant has not been reported in the literature in individuals with ATM-related conditions. This variant is not present in population databases (ExAC no frequency). This sequence change creates a premature translational stop signal (p.Tyr2852*) in the ATM gene. It is expected to result in an absent or disrupted protein product. Loss-of-function variants in ATM are known to be pathogenic (PMID: 23807571, 25614872).

Literature cited by the submitters: PubMed 23807571; PubMed 25614872.

NM_000051.4(ATM):c.8556T>A (p.Tyr2852Ter)

Genes: ATM (ATM serine/threonine kinase; plus strand), C11orf65 (chromosome 11 open reading frame 65; minus strand). Cytogenetic location: 11q22.3.
Variant type: single nucleotide variant.
Coding change: c.8556T>A on transcript NM_000051.4 (MANE Select); coding-DNA position 8556, T replaced by A.
Protein change: p.Tyr2852Ter; replaces tyrosine 2852 with a stop codon.
Molecular consequence: nonsense. On other transcripts: intron variant (2).
Genome position (GRCh38, 1-based): chr11:108,345,880, T>A. VCF-style: chr11-108345880-T-A. GRCh37 (hg19) VCF-style: chr11-108216607-T-A.
Other names: c.8556T>A, p.Tyr2852Ter (NM_001351834.2); c.641-36809A>T (NM_001330368.2); c.695-10588A>T (NM_001351110.2); short protein forms Y2852*.
Identifiers: ClinVar variation 1354420 (VCV001354420.6), dbSNP rs779394254, ClinGen allele CA382518525.